The following is an entry in ClinVar:

NM_001330723.2(SNX27):c.1495T>C (p.Trp499Arg)

Gene: SNX27 (sorting nexin 27; plus strand). Cytogenetic location: 1q21.3.
Variant type: single nucleotide variant.
Coding change: c.1495T>C on transcript NM_001330723.2 (MANE Select); coding-DNA position 1495, T replaced by C.
Protein change: p.Trp499Arg; replaces tryptophan 499 with arginine.
Molecular consequence: missense variant.
Genome position (GRCh38, 1-based): chr1:151,693,016, T>C. VCF-style: chr1-151693016-T-C. GRCh37 (hg19) VCF-style: chr1-151665492-T-C.
Other names: c.1495T>C, p.Trp499Arg (NM_030918.6); short protein forms W499R.
Identifiers: ClinVar variation 934963 (VCV000934963.9), dbSNP rs1245623181, ClinGen allele CA341973330.

ClinVar aggregate classification (germline): Uncertain significance (1 of 4 stars; one submission).

Conditions:
Severe myoclonic epilepsy in infancy (DRVT). Also called: Dravet syndrome; SEVERE MYOCLONIC EPILEPSY OF INFANCY; Epileptic encephalopathy, early infantile, 6 (Dravet syndrome); DEVELOPMENTAL AND EPILEPTIC ENCEPHALOPATHY 6A; Severe Myoclonic Epilepsy in Infancy (SMEI). Identifiers: Orphanet 33069, MedGen C0751122, MONDO:0100135, OMIM 607208.

Allele frequency attached by ClinVar (database versions not stated): gnomAD 0.00001; TOPMed 0.00001.
gnomAD v4.1: 2 of 1,614,110 alleles (0.00012%); highest among the groups gnomAD compares: East Asian, 0.0045%; no homozygotes.

Submission:

Labcorp Genetics (formerly Invitae), Labcorp
Classification: Uncertain significance for Severe myoclonic epilepsy in infancy. Last evaluated: 2019-06-19. Review status: criteria provided, single submitter. Criteria: Invitae Variant Classification Sherloc (09022015). Collection method: clinical testing. Allele origin: germline.
Comment: This variant is not present in population databases (ExAC no frequency). This variant has not been reported in the literature in individuals with SNX27-related conditions. Algorithms developed to predict the effect of missense changes on protein structure and function are either unavailable or do not agree on the potential impact of this missense change (SIFT: "Deleterious"; PolyPhen-2: "Probably Damaging"; Align-GVGD: "Class C0"). In summary, the available evidence is currently insufficient to determine the role of this variant in disease. Therefore, it has been classified as a Variant of Uncertain Significance. This sequence change replaces tryptophan with arginine at codon 499 of the SNX27 protein (p.Trp499Arg). The tryptophan residue is highly conserved and there is a moderate physicochemical difference between tryptophan and arginine.